The following is an entry in ClinVar:

ClinVar aggregate classification (germline): Pathogenic (1 of 4 stars; one submission).

Submission:

GeneDx
Classification: Pathogenic. Last evaluated: 2024-09-11. Review status: criteria provided, single submitter. Criteria: GeneDx Variant Classification Process June 2021. Collection method: clinical testing. Allele origin: germline. Affected: yes.
Comment: Nonsense variant predicted to result in protein truncation or nonsense mediated decay in a gene for which loss of function is a known mechanism of disease; Not observed at significant frequency in large population cohorts (gnomAD); Has not been previously published as pathogenic or benign to our knowledge

NM_001349338.3(FOXP1):c.1503C>G (p.Tyr501Ter)

Genes: FOXP1 (forkhead box P1; minus strand), LOC126806714 (BRD4-independent group 4 enhancer GRCh37_chr3:71025197-71026396; plus strand). Cytogenetic location: 3p13.
Variant type: single nucleotide variant.
Coding change: c.1503C>G on transcript NM_001349338.3 (MANE Select); coding-DNA position 1503, C replaced by G.
Protein change: p.Tyr501Ter; replaces tyrosine 501 with a stop codon.
Molecular consequence: nonsense. On other transcripts: non-coding transcript variant (2).
Genome position (GRCh38, 1-based): chr3:70,976,968, G>C on the plus strand (C>G on the coding strand, the complement: FOXP1 is on the minus strand). VCF-style: chr3-70976968-G-C. GRCh37 (hg19) VCF-style: chr3-71026119-G-C.
Other names: c.1500C>G, p.Tyr500Ter (NM_001244808.3, NM_001349341.3); c.1503C>G, p.Tyr501Ter (NM_001244810.2, NM_001244814.3, NM_001244816.2 and 2 more transcripts); c.1275C>G, p.Tyr425Ter (NM_001244812.3); c.1203C>G, p.Tyr401Ter (NM_001244813.3, NM_001244815.2, NM_001349342.3); c.1200C>G, p.Tyr400Ter (NM_001349337.2, NM_001349343.3, NM_001349344.3 and 1 more transcripts); short protein forms Y400*, Y401*, Y425*, Y500*, Y501*.
Identifiers: ClinVar variation 4282515 (VCV004282515.1).